The following is an entry in ClinVar:

ClinVar aggregate classification (germline): Uncertain significance. Review status: criteria provided, single submitter (1 of 4 stars). 2 submissions from 2 submitters: Uncertain significance (1). 1 of the submissions does not count toward it. Last evaluated 2022-04-08.

Conditions:
Mucolipidosis type II. Also called: Mucolipidosis II Alpha/Beta; Mucolipidosis 2; ML 2; Inclusion cell disease; Leroy Disease; N-acetylglucosamine 1phosphotransferase deficiency. Identifiers: Orphanet 576, MedGen C2673377, MONDO:0009650, OMIM 252500.
Pseudo-Hurler polydystrophy. Also called: MUCOLIPIDOSIS IIIA; ML IIIA; Mucolipidosis III Alpha/Beta; Type III Mucolipidosis; ML III; ML III ALPHA/BETA. Identifiers: Orphanet 423461, Orphanet 577, MedGen C0033788, MONDO:0018931, OMIM 252600.

Allele frequency attached by ClinVar (database versions not stated): TOPMed 0.00003; gnomAD 0.00001; gnomAD exomes below 0.00001.
gnomAD v4.1: 5 of 1,613,752 alleles (0.00031%); highest among the groups gnomAD compares: Admixed American, 0.0017%; no homozygotes.

Submissions (2):

Labcorp Genetics (formerly Invitae), Labcorp
Classification: Uncertain significance for Pseudo-Hurler polydystrophy; Mucolipidosis type II. Last evaluated: 2022-04-08. Review status: criteria provided, single submitter. Criteria: Invitae Variant Classification Sherloc (09022015). Collection method: clinical testing. Allele origin: germline.
Comment: This sequence change replaces alanine, which is neutral and non-polar, with valine, which is neutral and non-polar, at codon 662 of the GNPTAB protein (p.Ala662Val). This variant is present in population databases (no rsID available, gnomAD 0.003%). This variant has not been reported in the literature in individuals affected with GNPTAB-related conditions. ClinVar contains an entry for this variant (Variation ID: 553877). Advanced modeling of protein sequence and biophysical properties (such as structural, functional, and spatial information, amino acid conservation, physicochemical variation, residue mobility, and thermodynamic stability) performed at Invitae indicates that this missense variant is not expected to disrupt GNPTAB protein function. In summary, the available evidence is currently insufficient to determine the role of this variant in disease. Therefore, it has been classified as a Variant of Uncertain Significance.

Counsyl
Classification: Uncertain significance for Mucolipidosis type II; Pseudo-Hurler polydystrophy. Last evaluated: 2017-09-16. Review status: no assertion criteria provided. Collection method: clinical testing. Allele origin: unknown. Not counted in ClinVar's aggregate classification.

Literature cited by the submitters: PubMed 26130485 (cited by Counsyl).

NM_024312.5(GNPTAB):c.1985C>T (p.Ala662Val)

Gene: GNPTAB (N-acetylglucosamine-1-phosphate transferase subunits alpha and beta; minus strand). Cytogenetic location: 12q23.2.
Variant type: single nucleotide variant.
Coding change: c.1985C>T on transcript NM_024312.5 (MANE Select); coding-DNA position 1985, C replaced by T.
Protein change: p.Ala662Val; replaces alanine 662 with valine.
Molecular consequence: missense variant.
Genome position (GRCh38, 1-based): chr12:101,764,932, G>A on the plus strand (C>T on the coding strand, the complement: GNPTAB is on the minus strand). VCF-style: chr12-101764932-G-A. GRCh37 (hg19) VCF-style: chr12-102158710-G-A.
Other names: short protein forms A662V.
Identifiers: ClinVar variation 553877 (VCV000553877.4), dbSNP rs142172397, ClinGen allele CA242456834.